The following is an entry in ClinVar:

ClinVar aggregate classification (germline): Uncertain significance. Review status: criteria provided, multiple submitters, no conflicts (2 of 4 stars). 2 submissions from 2 submitters: Uncertain significance (2). Last evaluated 2025-10-24.

Conditions:
Inborn genetic diseases. Identifiers: MedGen C0950123, MeSH D030342.

Submissions (2):

Ambry Genetics
Classification: Uncertain significance for Inborn genetic diseases. Last evaluated: 2025-10-24. Review status: criteria provided, single submitter. Criteria: Ambry Variant Classification Scheme 2023. Collection method: clinical testing. Allele origin: germline.

Labcorp Genetics (formerly Invitae), Labcorp
Classification: Uncertain significance. Last evaluated: 2022-11-08. Review status: criteria provided, single submitter. Criteria: Invitae Variant Classification Sherloc (09022015). Collection method: clinical testing. Allele origin: germline.
Comment: This variant is not present in population databases (gnomAD no frequency). In summary, the available evidence is currently insufficient to determine the role of this variant in disease. Therefore, it has been classified as a Variant of Uncertain Significance. Advanced modeling of protein sequence and biophysical properties (such as structural, functional, and spatial information, amino acid conservation, physicochemical variation, residue mobility, and thermodynamic stability) performed at Invitae indicates that this missense variant is not expected to disrupt ADGRV1 protein function. This variant has not been reported in the literature in individuals affected with ADGRV1-related conditions. This sequence change replaces threonine, which is neutral and polar, with proline, which is neutral and non-polar, at codon 1229 of the ADGRV1 protein (p.Thr1229Pro).

NM_032119.4(ADGRV1):c.3685A>C (p.Thr1229Pro)

Gene: ADGRV1 (adhesion G protein-coupled receptor V1; plus strand). Cytogenetic location: 5q14.3.
Variant type: single nucleotide variant.
Coding change: c.3685A>C on transcript NM_032119.4 (MANE Select); coding-DNA position 3685, A replaced by C.
Protein change: p.Thr1229Pro; replaces threonine 1229 with proline.
Molecular consequence: missense variant. On other transcripts: non-coding transcript variant (1).
Genome position (GRCh38, 1-based): chr5:90,653,259, A>C. VCF-style: chr5-90653259-A-C. GRCh37 (hg19) VCF-style: chr5-89949076-A-C.
Other names: c.3685A>C (NM_032119.3); short protein forms T1229P.
Identifiers: ClinVar variation 2042053 (VCV002042053.3), dbSNP rs2532084222, ClinGen allele CA360398395.